The following continues an entry in ClinVar:

NM_007194.4(CHEK2):c.846+4_846+7del

Gene: CHEK2. ClinVar aggregate classification (germline): Pathogenic/Likely pathogenic. Pathogenic (10); Likely pathogenic (17).

Submissions 8 to 22 of 32:

Center for Genomic Medicine, Rigshospitalet, Copenhagen University Hospital
Classification: Pathogenic. Last evaluated: 2025-03-04. Review status: criteria provided, single submitter. Criteria: ACMG Guidelines, 2015. Collection method: clinical testing. Allele origin: germline.

Molecular Pathology, Peter Maccallum Cancer Centre
Classification: Likely pathogenic for Familial cancer of breast. Last evaluated: 2025-02-03. Review status: criteria provided, single submitter. Criteria: ACMG Guidelines, 2015. Collection method: clinical testing. Allele origin: germline. Inheritance: Autosomal dominant inheritance.

Institute of Immunology and Genetics Kaiserslautern
Classification: Pathogenic for Breast-ovarian cancer, familial, susceptibility to, 1. Last evaluated: 2024-07-17. Review status: criteria provided, single submitter. Criteria: ACMG Guidelines, 2015. Collection method: clinical testing. Allele origin: germline. Affected: yes.
Comment: ACMG Criteria: PS3, PS4, PP1, PP3, PP5; Variant was found in heterozygous state.

Color Diagnostics, LLC DBA Color Health
Classification: Pathogenic for Hereditary cancer-predisposing syndrome. Last evaluated: 2024-06-04. Review status: criteria provided, single submitter. Criteria: ACMG Guidelines, 2015. Collection method: clinical testing. Allele origin: germline.
Comment: This variant deletes 4 nucleotides at the +4 to +7 position of intron 7 of the CHEK2 gene. Functional RNA studies have shown that this variant produces two mutant transcripts (PMID: 31050813, 31843900, 37725924). One mutant transcript causes an out-of-frame skipping of exons 7 and 8, creating a frameshift and premature translation stop signal and is expected to result in an absent or non-functional protein product. The other mutant transcript causes an in-frame skipping of exon 7, creating a partial deletion of the kinase domain. A functional study has shown that a variant lacking exon 7 displays significantly decreased kinase activity (PMID: 31050813). This variant has been reported in more than ten individuals affected with familial breast cancer (PMID: 22114986, 30264118, 31050813, 36260514; Color internal data). This variant has also been identified in 8/278088 chromosomes in the general population by the Genome Aggregation Database (gnomAD). Loss of CHEK2 function is a known mechanism of disease. Based on available evidence, this variant is classified as Pathogenic.

Women's Health and Genetics/Laboratory Corporation of America, LabCorp
Classification: Pathogenic for Hereditary breast ovarian cancer syndrome. Last evaluated: 2024-04-02. Review status: criteria provided, single submitter. Criteria: LabCorp Variant Classification Summary - May 2015. Collection method: clinical testing. Allele origin: germline.
Comment: Variant summary: CHEK2 c.846+4_846+7delAGTA alters a conserved nucleotide located close to a canonical splice site and therefore could affect mRNA splicing, leading to a significantly altered protein sequence. Several computational tools predict a significant impact on normal splicing: Four predict the variant abolishes a 5 splicing donor site. At least one publication reports experimental evidence that this variant affects mRNA splicing leading to two populations of transcript, one causing the complete in-frame skipping of exon 7 and another leading to an out of frame skipping of exons 7 and 8 (Casadei_2019). The variant allele was found at a frequency of 2.8e-05 in 246676 control chromosomes. c.846+4_846+7delAGTA has been reported in the literature in settings of multigene panel testing and focused CHEK2 screening among individuals with a personal and family history of breast and other cancers (example, Desrichard_2011, Tung_2015, Kleibova_2019, Vargas-Parra_2020, Stolarova_2020, Barbalho_2020) and in at-least once in a cohort of individuals without a cancer diagnosis (example, Kraemer_2019). Several instances of unaffected family members harboring this variant have also been reported (Kleibova_2019). These data indicate that the variant is likely to be associated with disease with a variable penetrance. At-least three instances of co-occurrences with other putative pathogenic variant(s) have been reported (ATM, p.R2034Cfs*; BRCA2, p.N433Qfs*; BRCA2, p.C1200*), providing supporting evidence for a benign/non-actionable role (Kleibova_2019). At least one publication reports experimental evidence evaluating an impact on protein function (Kleibova_2019). The most pronounced variant effect results in a significantly diminished CHEK2 kinase activity in vitro in an experimental system that measured relative levels of CHK2-dependent KAP1-S473 phosphorylation in RPE1-CHEK2-KO cells. The following publications have been ascertained in the context of this evaluation (PMID: 25186627, 22114986, 31422574, 31050813, 32906215, 31843900, 33050356, 35155181). ClinVar contains an entry for this variant (Variation ID: 216652). Based on the evidence outlined above, the variant was classified as pathogenic.

Baylor Genetics
Classification: Likely pathogenic for Familial cancer of breast. Last evaluated: 2024-03-30. Review status: criteria provided, single submitter. Criteria: ACMG Guidelines, 2015. Collection method: clinical testing. Allele origin: unknown.

Institute of Human Genetics, University of Leipzig Medical Center
Classification: Likely pathogenic for Familial cancer of breast. Last evaluated: 2024-02-26. Review status: criteria provided, single submitter. Criteria: ACMG Guidelines, 2015. Collection method: clinical testing. Allele origin: paternal. Affected: yes.
Comment: Criteria applied: PS3_MOD,PS4_MOD,PM2_SUP,PP3

Fulgent Genetics
Classification: Likely pathogenic for Familial prostate cancer; Bone osteosarcoma; CHEK2-related cancer predisposition. Last evaluated: 2024-02-05. Review status: criteria provided, single submitter. Criteria: ACMG Guidelines, 2015. Collection method: clinical testing. Allele origin: germline.

Greenwood Genetic Center Diagnostic Laboratories, Greenwood Genetic Center
Classification: Likely pathogenic for CHEK2-related cancer predisposition. Last evaluated: 2024-01-25. Review status: criteria provided, single submitter. Criteria: ACMG Guidelines, 2015. Collection method: clinical testing. Allele origin: germline. Affected: yes.
Comment: PS3, PS4_Moderate

Institute for Genomic Medicine (IGM) Clinical Laboratory, Nationwide Children's Hospital
Classification: Pathogenic for CHEK2-related cancer predisposition. Last evaluated: 2023-10-26. Review status: criteria provided, single submitter. Criteria: ACMG Guidelines, 2015. Collection method: clinical testing. Allele origin: germline.
Comment: Well-established functional studies have demonstrated this variant to have a damaging effect on protein function or splicing (ACMG/AMP: PS3; PMIDs:31050813, 31843900). This variant has been reported at an elevated frequency in affected individuals/in multiple affected individuals in the literature (ACMG/AMP: PS4; PMIDs:31050813, 35155181, 33050356, 30264118, 22114986, 32906215). This variant is predicted to alter protein function or structure, or disrupt splicing by multiple in silico tools (ACMG/AMP: PP3).

Myriad Genetics, Inc.
Classification: Pathogenic for Familial cancer of breast. Last evaluated: 2023-06-27. Review status: criteria provided, single submitter. Criteria: Myriad Autosomal Dominant, Autosomal Recessive and X-Linked Classification Criteria (2023). Collection method: clinical testing. Allele origin: unknown.
Comment: This variant is considered pathogenic. mRNA analysis has demonstrated abnormal mRNA splicing occurs [Myriad Internal Data]. This variant is strongly associated with more severe personal and family histories of cancer, typical for individuals with pathogenic variants in this gene [PMID: 25085752].

CeGaT Center for Human Genetics Tuebingen
Classification: Likely pathogenic. Last evaluated: 2022-12-01. Review status: criteria provided, single submitter. Criteria: CeGaT Center For Human Genetics Tuebingen Variant Classification Criteria Version 2. Collection method: clinical testing. Allele origin: germline. Affected: yes. Observed: 1 variant allele.
Comment: CHEK2: PM2, PS3:Moderate, PP1, PP3

Blueprint Genetics
Classification: Likely pathogenic for CHEK2-related disorders. Last evaluated: 2022-08-02. Review status: criteria provided, single submitter. Criteria: ACMG Guidelines, 2015. Collection method: clinical testing. Allele origin: germline. Affected: yes. Observed: 2 variant alleles.

ARUP Laboratories, Molecular Genetics and Genomics, ARUP Laboratories
Classification: Likely pathogenic. Last evaluated: 2022-07-26. Review status: criteria provided, single submitter. Criteria: ARUP Molecular Germline Variant Investigation Process 2021. Collection method: clinical testing. Allele origin: germline.
Comment: The CHEK2 c.846+4_846+7del variant (rs764884641) is reported in the literature in individuals and families affected with breast cancer (Desrichard 2011, Kleiblova 2019, Mersch 2018). Some individuals carrying this variant are unaffected, suggesting reduced penetrance, and others also carry pathogenic variants in other cancer-associated genes (Kleiblova 2019). This variant is reported in ClinVar (Variation ID: 216652), and is only observed on eight alleles in the Genome Aggregation Database, indicating it is not a common polymorphism. This variant deletes four nucleotides in intron 7, and computational analyses (Alamut v.1.5.1) predict that this variant may impact splicing by significantly weakening the nearby canonical donor splice site. Functional analyses demonstrate skipping of exon 7 or both exons 7 and 8, and also a significant decrease in kinase activity (Casadei 2019, Kleiblova 2019). Based on available information, this variant is considered to be likely pathogenic. References: Casadei S et al. Characterization of splice-altering mutations in inherited predisposition to cancer. Proc Natl Acad Sci U S A. 2019 Dec 16;116(52):26798–807. PMID: 31843900. Desrichard A et al. CHEK2 contribution to hereditary breast cancer in non-BRCA families. Breast Cancer Res. 2011;13(6):R119. PMID: 22114986. Kleiblova P et al. Identification of deleterious germline CHEK2 mutations and their association with breast and ovarian cancer. Int J Cancer. 2019 Oct 1;145(7):1782-1797. PMID: 31050813. Mersch J et al. Prevalence of Variant Reclassification Following Hereditary Cancer Genetic Testing. JAMA. 2018 Sep 25;320(12):1266-1274. PMID: 30264118.

MGZ Medical Genetics Center
Classification: Likely pathogenic for Familial cancer of breast. Last evaluated: 2022-05-18. Review status: criteria provided, single submitter. Criteria: ACMG Guidelines, 2015. Collection method: clinical testing. Allele origin: germline. Affected: yes. Observed: 1 variant allele.
Comment: ACMG criteria applied: PS3, PS4_MOD, PM2_SUP, PP1